The following is an entry in ClinVar:

NM_002691.4(POLD1):c.1137+4G>C

Gene: POLD1 (DNA polymerase delta 1, catalytic subunit; plus strand). Cytogenetic location: 19q13.33.
Variant type: single nucleotide variant.
Coding change: c.1137+4G>C on transcript NM_002691.4 (MANE Select); 4 bases into the intron after coding-DNA position 1137, G replaced by C.
Molecular consequence: intron variant.
Genome position (GRCh38, 1-based): chr19:50,403,223, G>C. VCF-style: chr19-50403223-G-C. GRCh37 (hg19) VCF-style: chr19-50906480-G-C.
Other names: c.1137+4G>C (NM_001256849.1, NM_001308632.1).
Identifiers: ClinVar variation 1387007 (VCV001387007.6), dbSNP rs2122272448, ClinGen allele CA2573156569.

ClinVar aggregate classification (germline): Uncertain significance (1 of 4 stars; one submission).

Conditions:
POLD1-related polyposis and colorectal cancer syndrome (CRCS10). Also called: Colorectal cancer, susceptibility to, 10; Colorectal cancer 10; COLORECTAL CANCER, SUSCEPTIBILITY TO, ON CHROMOSOME 19q. Identifiers: Orphanet 220460, MedGen C2675481, MONDO:0012953, OMIM 612591.

Submission:

Labcorp Genetics (formerly Invitae), Labcorp
Classification: Uncertain significance for POLD1-related polyposis and colorectal cancer syndrome. Last evaluated: 2021-10-14. Review status: criteria provided, single submitter. Criteria: Invitae Variant Classification Sherloc (09022015). Collection method: clinical testing. Allele origin: germline.
Comment: This variant is not present in population databases (ExAC no frequency). This variant has not been reported in the literature in individuals affected with POLD1-related conditions. Variants that disrupt the consensus splice site are a relatively common cause of aberrant splicing (PMID: 17576681, 9536098). Algorithms developed to predict the effect of sequence changes on RNA splicing suggest that this variant is not likely to affect RNA splicing. In summary, the available evidence is currently insufficient to determine the role of this variant in disease. Therefore, it has been classified as a Variant of Uncertain Significance. This sequence change falls in intron 9 of the POLD1 gene. It does not directly change the encoded amino acid sequence of the POLD1 protein. It affects a nucleotide within the consensus splice site.

Literature cited by the submitters: PubMed 17576681; PubMed 9536098.